The following is an entry in ClinVar:

ClinVar aggregate classification (germline): Uncertain significance. Review status: criteria provided, multiple submitters, no conflicts (2 of 4 stars). 2 submissions from 2 submitters: Uncertain significance (2). Last evaluated 2026-01-18.

Conditions:
Erythrocytosis, familial, 3 (ECYT3). Identifiers: Orphanet 247511, MedGen C1853286, MONDO:0012353, OMIM 609820.

Allele frequency attached by ClinVar (database versions not stated): ExAC 0.00001; gnomAD 0.00001; TOPMed 0.00001.
gnomAD v4.1: 5 of 1,613,928 alleles (0.00031%); highest among the groups gnomAD compares: Non-Finnish European, 0.00042%; no homozygotes.

Submissions (2):

Labcorp Genetics (formerly Invitae), Labcorp
Classification: Uncertain significance for Erythrocytosis, familial, 3. Last evaluated: 2026-01-18. Review status: criteria provided, single submitter. Criteria: Invitae Variant Classification Sherloc (09022015). Collection method: clinical testing. Allele origin: germline.
Comment: This sequence change replaces histidine, which is basic and polar, with arginine, which is basic and polar, at codon 282 of the EGLN1 protein (p.His282Arg). This variant is present in population databases (rs755340236, gnomAD 0.002%). This variant has not been reported in the literature in individuals affected with EGLN1-related conditions. ClinVar contains an entry for this variant (Variation ID: 1763449). An algorithm developed to predict the effect of missense changes on protein structure and function (PolyPhen-2) suggests that this variant is likely to be tolerated. In summary, the available evidence is currently insufficient to determine the role of this variant in disease. Therefore, it has been classified as a Variant of Uncertain Significance.

Ambry Genetics
Classification: Uncertain significance. Last evaluated: 2023-07-15. Review status: criteria provided, single submitter. Criteria: Ambry Variant Classification Scheme 2023. Collection method: clinical testing. Allele origin: germline.
Comment: The p.H282R variant (also known as c.845A>G), located in coding exon 1 of the EGLN1 gene, results from an A to G substitution at nucleotide position 845. The histidine at codon 282 is replaced by arginine, an amino acid with highly similar properties. This amino acid position is conserved. In addition, the in silico prediction for this alteration is inconclusive. Since supporting evidence is limited at this time, the clinical significance of this alteration remains unclear.

NM_022051.3(EGLN1):c.845A>G (p.His282Arg)

Genes: EGLN1 (egl-9 family hypoxia inducible factor 1; minus strand), LOC129932769 (ATAC-STARR-seq lymphoblastoid active region 2730; plus strand). Cytogenetic location: 1q42.2.
Variant type: single nucleotide variant.
Coding change: c.845A>G on transcript NM_022051.3 (MANE Select); coding-DNA position 845, A replaced by G.
Protein change: p.His282Arg; replaces histidine 282 with arginine.
Molecular consequence: missense variant.
Genome position (GRCh38, 1-based): chr1:231,421,044, T>C on the plus strand (A>G on the coding strand, the complement: EGLN1 is on the minus strand). VCF-style: chr1-231421044-T-C. GRCh37 (hg19) VCF-style: chr1-231556790-T-C.
Other names: c.845A>G, p.His282Arg (NM_001377260.1, NM_001377261.1); short protein forms H282R.
Identifiers: ClinVar variation 1763449 (VCV001763449.6), dbSNP rs755340236, ClinGen allele CA1453095.
Genomic context (GRCh38, chr1:231,421,044, plus strand): 5'-CAGCACACACTTACTTTCGTCCGGCCATTGATTTTGTAGCTGCCCAGCTTCCCGTTACAG[T>C]GGCGTATCAGGTCGTCCATGCTGCTCATGAGCAGCCCAATGGTTTCGCAGCCGGGCTCCT-3'
Protein context (NP_071334.1, residues 272-292): LMSSMDDLIR[His282Arg]CNGKLGSYKI